The following is an entry in ClinVar:

NM_001039213.4(CEACAM16):c.97G>A (p.Glu33Lys)

Genes: CEACAM16-AS1 (CEACAM16, CEACAM19 and PVR antisense RNA 1; minus strand), CEACAM16 (CEA cell adhesion molecule 16, tectorial membrane component; plus strand). Cytogenetic location: 19q13.32.
Variant type: single nucleotide variant.
Coding change: c.97G>A on transcript NM_001039213.4 (MANE Select); coding-DNA position 97, G replaced by A.
Protein change: p.Glu33Lys; replaces glutamic acid 33 with lysine.
Molecular consequence: missense variant.
Genome position (GRCh38, 1-based): chr19:44,703,408, G>A. VCF-style: chr19-44703408-G-A. GRCh37 (hg19) VCF-style: chr19-45206678-G-A.
Other names: short protein forms E33K.
Identifiers: ClinVar variation 1335353 (VCV001335353.37), dbSNP rs773449918, ClinGen allele CA9502950.

ClinVar aggregate classification (germline): Uncertain significance. Review status: criteria provided, multiple submitters, no conflicts (2 of 4 stars). 2 submissions from 2 submitters: Uncertain significance (2). Last evaluated 2024-05-26.

Allele frequency attached by ClinVar (database versions not stated): TOPMed below 0.00001; ExAC 0.00001; gnomAD exomes 0.00001.

Submissions (2):

Labcorp Genetics (formerly Invitae), Labcorp
Classification: Uncertain significance. Last evaluated: 2024-05-26. Review status: criteria provided, single submitter. Criteria: Invitae Variant Classification Sherloc (09022015). Collection method: clinical testing. Allele origin: germline.
Comment: This sequence change replaces glutamic acid, which is acidic and polar, with lysine, which is basic and polar, at codon 33 of the CEACAM16 protein (p.Glu33Lys). This variant is present in population databases (rs773449918, gnomAD 0.006%). This variant has not been reported in the literature in individuals affected with CEACAM16-related conditions. ClinVar contains an entry for this variant (Variation ID: 1335353). Advanced modeling of protein sequence and biophysical properties (such as structural, functional, and spatial information, amino acid conservation, physicochemical variation, residue mobility, and thermodynamic stability) performed at Invitae indicates that this missense variant is not expected to disrupt CEACAM16 protein function with a negative predictive value of 80%. In summary, the available evidence is currently insufficient to determine the role of this variant in disease. Therefore, it has been classified as a Variant of Uncertain Significance.

CeGaT Center for Human Genetics Tuebingen
Classification: Uncertain significance. Last evaluated: 2021-10-01. Review status: criteria provided, single submitter. Criteria: CeGaT Center For Human Genetics Tuebingen Variant Classification Criteria Version 2. Collection method: clinical testing. Allele origin: germline. Affected: yes. Observed: 1 variant allele.